The following is an entry in ClinVar:

ClinVar aggregate classification (germline): Uncertain significance. Review status: criteria provided, multiple submitters, no conflicts (2 of 4 stars). 2 submissions from 2 submitters: Uncertain significance (2). Last evaluated 2023-06-16.

Conditions:
Microcephaly, normal intelligence and immunodeficiency (NBS). Also called: BERLIN BREAKAGE SYNDROME; Immunodeficiency, microcephaly with normal intelligence; Nijmegen breakage syndrome; Microcephaly with normal intelligence immunodeficiency and lymphoreticular malignancies; Nonsyndromal microcephaly autosomal recessive with normal intelligence; Seemanova syndrome 2. Identifiers: Orphanet 647, MedGen C0398791, MONDO:0009623, OMIM 251260.

Submissions (2):

Labcorp Genetics (formerly Invitae), Labcorp
Classification: Uncertain significance for Microcephaly, normal intelligence and immunodeficiency. Last evaluated: 2023-06-16. Review status: criteria provided, single submitter. Criteria: Invitae Variant Classification Sherloc (09022015). Collection method: clinical testing. Allele origin: germline.
Comment: In summary, the available evidence is currently insufficient to determine the role of this variant in disease. Therefore, it has been classified as a Variant of Uncertain Significance. Variants that disrupt the consensus splice site are a relatively common cause of aberrant splicing (PMID: 17576681, 9536098). Algorithms developed to predict the effect of sequence changes on RNA splicing suggest that this variant is not likely to affect RNA splicing. ClinVar contains an entry for this variant (Variation ID: 1020028). This variant has not been reported in the literature in individuals affected with NBN-related conditions. This variant is not present in population databases (gnomAD no frequency). This sequence change falls in intron 13 of the NBN gene. It does not directly change the encoded amino acid sequence of the NBN protein. It affects a nucleotide within the consensus splice site.

Genome-Nilou Lab
Classification: Uncertain significance for Microcephaly, normal intelligence and immunodeficiency. Last evaluated: 2021-11-07. Review status: criteria provided, single submitter. Criteria: ACMG Guidelines, 2015. Collection method: clinical testing. Allele origin: germline. Affected: no.

Literature cited by the submitters: PubMed 17576681 (cited by Labcorp Genetics (formerly Invitae), Labcorp); PubMed 9536098 (cited by Labcorp Genetics (formerly Invitae), Labcorp).

NM_002485.5(NBN):c.2070+6T>C

Gene: NBN (nibrin; minus strand). Cytogenetic location: 8q21.3.
Variant type: single nucleotide variant.
Coding change: c.2070+6T>C on transcript NM_002485.5 (MANE Select); 6 bases into the intron after coding-DNA position 2070, T replaced by C.
Molecular consequence: intron variant.
Genome position (GRCh38, 1-based): chr8:89,946,134, A>G on the plus strand (T>C on the coding strand, the complement: NBN is on the minus strand). VCF-style: chr8-89946134-A-G. GRCh37 (hg19) VCF-style: chr8-90958362-A-G.
Other names: c.1824+6T>C (NM_001024688.3).
Identifiers: ClinVar variation 1020028 (VCV001020028.12), dbSNP rs1810172843, ClinGen allele CA1801419462.